The following is an entry in ClinVar:

NM_021147.5(CCNO):c.259_268dup (p.Val90fs)

Genes: CCNO (cyclin O; minus strand), LOC129993895 (ATAC-STARR-seq lymphoblastoid silent region 16013; plus strand). Cytogenetic location: 5q11.2.
Variant type: Duplication.
Coding change: c.259_268dup on transcript NM_021147.5 (MANE Select); coding-DNA positions 259 to 268, 10 bases duplicated (GCCCAGCCCG; older notation c.259_268dupGCCCAGCCCG).
Protein change: p.Val90fs; shifts the reading frame from valine 90.
Molecular consequence: frameshift variant. On other transcripts: non-coding transcript variant (2).
Genome position (GRCh38, 1-based): chr5:55,233,256-55,233,265, CGGGCTGGGC duplicated on the plus strand (GCCCAGCCCG on the coding strand, the reverse complement: CCNO is on the minus strand); duplicating any 10 consecutive bases within chr5:55,233,256-55,233,270 gives the same sequence; the c. name uses the placement nearest the transcript's 3' end. VCF-style (leftmost placement, unchanged base first): chr5-55233255-A-ACGGGCTGGGC. GRCh37 (hg19) VCF-style: chr5-54529083-A-ACGGGCTGGGC.
Other names: c.259_268dupGCCCAGCCCG (NM_021147.4); short protein forms V90fs.
Identifiers: ClinVar variation 665170 (VCV000665170.8), dbSNP rs1398588555, ClinGen allele CA559800449.

ClinVar aggregate classification (germline): Pathogenic. Review status: criteria provided, multiple submitters, no conflicts (2 of 4 stars). 4 submissions from 3 submitters: Pathogenic (4). Last evaluated 2025-10-04.

Conditions:
Primary ciliary dyskinesia 29. Also called: CILIARY DYSKINESIA, PRIMARY, 29, WITHOUT SITUS INVERSUS. Identifiers: Orphanet 244, MedGen C4014534, MONDO:0014378, OMIM 615872.
Primary ciliary dyskinesia. Also called: Ciliary dyskinesia. Identifiers: Orphanet 244, MedGen C0008780, MONDO:0016575, HP:0012265.

Submissions (4):

Labcorp Genetics (formerly Invitae), Labcorp
Classification: Pathogenic for Primary ciliary dyskinesia. Last evaluated: 2025-10-04. Review status: criteria provided, single submitter. Criteria: Invitae Variant Classification Sherloc (09022015). Collection method: clinical testing. Allele origin: germline.
Comment: This sequence change creates a premature translational stop signal (p.Val90Glyfs*49) in the CCNO gene. It is expected to result in an absent or disrupted protein product. Loss-of-function variants in CCNO are known to be pathogenic (PMID: 24747639). This variant is present in population databases (no rsID available, gnomAD 0.001%). This variant has not been reported in the literature in individuals affected with CCNO-related conditions. ClinVar contains an entry for this variant (Variation ID: 665170). For these reasons, this variant has been classified as Pathogenic.

Department of Genetics, Sultan Qaboos University Hospital
Classification: Pathogenic for Primary ciliary dyskinesia. Last evaluated: 2025-08-15. Review status: criteria provided, single submitter. Criteria: ACMG Guidelines, 2015. Collection method: research. Allele origin: germline. Affected: yes.

Dubai Health Genomic Medicine Center, Dubai Health
Classification: Pathogenic for Ciliary dyskinesia. Last evaluated: 2024-10-04. Review status: criteria provided, single submitter. Criteria: ACMG Guidelines, 2015. Collection method: research. Allele origin: germline. Affected: yes.
Comment: PVS1,PM2

Dubai Health Genomic Medicine Center, Dubai Health
Classification: Pathogenic for Primary ciliary dyskinesia 29. Last evaluated: 2020-11-12. Review status: criteria provided, single submitter. Criteria: ACMG Guidelines, 2015. Collection method: clinical testing. Allele origin: germline. Affected: yes.
Comment: The p.Val90fs variant in CCNO has not been previously identified in individuals with disease but was identified in 1/86268 European Non Finnish alleles in the Genome Aggregation Database (gnomAD). This frameshift variant is predicted to alter the protein's amino acid sequence beginning at position 90 and lead to a premature termination codon 49 amino acids downstream. This alteration is then predicted to lead to a truncated or absent protein. Several loss of function variants affecting this exon have been reported in affected individuals in disease database such as ClinVar and the Human Gene Mutation Database (HGMD). The p.Val90fs variant has also been reported as pathogenic by another clinical laboratory (ClinVar ID: 665170). In summary this variant meets our criteria for pathogenicity.

Literature cited by the submitters: PubMed 24747639 (cited by Labcorp Genetics (formerly Invitae), Labcorp).